The following is an entry in ClinVar:

ClinVar aggregate classification (germline): Likely benign. Review status: criteria provided, multiple submitters, no conflicts (2 of 4 stars). 5 submissions from 5 submitters: Likely benign (5). Last evaluated 2026-01-19.

Conditions:
Cardiovascular phenotype. Identifiers: MedGen CN230736.

Allele frequency attached by ClinVar (database versions not stated): gnomAD 0.00005; gnomAD exomes 0.00006.
gnomAD v4.1: 90 of 1,537,672 alleles (0.0059%); highest among the groups gnomAD compares: Non-Finnish European, 0.007%; no homozygotes.

Submissions (5):

Labcorp Genetics (formerly Invitae), Labcorp
Classification: Likely benign. Last evaluated: 2026-01-19. Review status: criteria provided, single submitter. Criteria: Invitae Variant Classification Sherloc (09022015). Collection method: clinical testing. Allele origin: germline.

Women's Health and Genetics/Laboratory Corporation of America, LabCorp
Classification: Likely benign. Last evaluated: 2025-04-28. Review status: criteria provided, single submitter. Criteria: LabCorp Variant Classification Summary - May 2015. Collection method: clinical testing. Allele origin: germline.

CeGaT Center for Human Genetics Tuebingen
Classification: Likely benign. Last evaluated: 2025-02-01. Review status: criteria provided, single submitter. Criteria: CeGaT Center For Human Genetics Tuebingen Variant Classification Criteria Version 2. Collection method: clinical testing. Allele origin: germline. Affected: yes. Observed: 1 variant allele.
Comment: ZNF469: BP4, BP7

Blueprint Genetics
Classification: Likely benign. Last evaluated: 2024-01-30. Review status: criteria provided, single submitter. Criteria: ACMG Guidelines, 2015. Collection method: clinical testing. Allele origin: germline.

Ambry Genetics
Classification: Likely benign for Cardiovascular phenotype. Last evaluated: 2019-05-06. Review status: criteria provided, single submitter. Criteria: Ambry Variant Classification Scheme 2023. Collection method: clinical testing. Allele origin: germline.

NM_001367624.2(ZNF469):c.10011C>T (p.Arg3337=)

Genes: ZNF469 (zinc finger protein 469; plus strand), LOC130059719 (ATAC-STARR-seq lymphoblastoid silent region 7848; plus strand). Cytogenetic location: 16q24.2.
Variant type: single nucleotide variant.
Coding change: c.10011C>T on transcript NM_001367624.2 (MANE Select); coding-DNA position 10011, C replaced by T.
Protein change: p.Arg3337=; no amino-acid change (arginine 3337 retained).
Molecular consequence: synonymous variant.
Genome position (GRCh38, 1-based): chr16:88,437,481, C>T. VCF-style: chr16-88437481-C-T. GRCh37 (hg19) VCF-style: chr16-88503889-C-T.
Other names: NM_001127464.1:c.9927C>T.
Identifiers: ClinVar variation 1768628 (VCV001768628.21), dbSNP rs973490370, ClinGen allele CA286386067.